The following is an entry in ClinVar:

ClinVar aggregate classification (germline): Uncertain significance. Review status: criteria provided, multiple submitters, no conflicts (2 of 4 stars). 2 submissions from 2 submitters: Uncertain significance (2). Last evaluated 2025-12-12.

Conditions:
Hereditary cancer-predisposing syndrome. Also called: Tumor predisposition; Hereditary Cancer Syndrome; Hereditary neoplastic syndrome; Neoplastic Syndromes, Hereditary. Identifiers: Orphanet 140162, MedGen C0027672, MeSH D009386, MONDO:0015356.
POLD1-related polyposis and colorectal cancer syndrome (CRCS10). Also called: Colorectal cancer 10; COLORECTAL CANCER, SUSCEPTIBILITY TO, ON CHROMOSOME 19q; Colorectal cancer, susceptibility to, 10. Identifiers: Orphanet 220460, MedGen C2675481, MONDO:0012953, OMIM 612591.

Allele frequency attached by ClinVar (database versions not stated): TOPMed below 0.00001; gnomAD exomes 0.00001 and 0.00002.
gnomAD v4.1: 3 of 1,564,750 alleles (0.00019%); highest among the groups gnomAD compares: Admixed American, 0.0057%; no homozygotes.

Submissions (2):

Labcorp Genetics (formerly Invitae), Labcorp
Classification: Uncertain significance for POLD1-related polyposis and colorectal cancer syndrome. Last evaluated: 2025-12-12. Review status: criteria provided, single submitter. Criteria: Invitae Variant Classification Sherloc (09022015). Collection method: clinical testing. Allele origin: germline.
Comment: This sequence change replaces serine, which is neutral and polar, with alanine, which is neutral and non-polar, at codon 339 of the POLD1 protein (p.Ser339Ala). This variant is present in population databases (no rsID available, gnomAD 0.008%). This variant has not been reported in the literature in individuals affected with POLD1-related conditions. ClinVar contains an entry for this variant (Variation ID: 851149). Invitae Evidence Modeling of protein sequence and biophysical properties (such as structural, functional, and spatial information, amino acid conservation, physicochemical variation, residue mobility, and thermodynamic stability) indicates that this missense variant is not expected to disrupt POLD1 protein function with a negative predictive value of 80%. In summary, the available evidence is currently insufficient to determine the role of this variant in disease. Therefore, it has been classified as a Variant of Uncertain Significance.

Ambry Genetics
Classification: Uncertain significance for Hereditary cancer-predisposing syndrome. Last evaluated: 2024-06-09. Review status: criteria provided, single submitter. Criteria: Ambry Variant Classification Scheme 2023. Collection method: clinical testing. Allele origin: germline.
Comment: The p.S339A variant (also known as c.1015T>G), located in coding exon 8 of the POLD1 gene, results from a T to G substitution at nucleotide position 1015. The serine at codon 339 is replaced by alanine, an amino acid with similar properties. This amino acid position is conserved. In addition, this alteration is predicted to be tolerated by in silico analysis. Based on the available evidence, the clinical significance of this variant remains unclear.

NM_002691.4(POLD1):c.1015T>G (p.Ser339Ala)

Gene: POLD1 (DNA polymerase delta 1, catalytic subunit; plus strand). Cytogenetic location: 19q13.33.
Variant type: single nucleotide variant.
Coding change: c.1015T>G on transcript NM_002691.4 (MANE Select); coding-DNA position 1015, T replaced by G.
Protein change: p.Ser339Ala; replaces serine 339 with alanine.
Molecular consequence: missense variant. On other transcripts: non-coding transcript variant (1).
Genome position (GRCh38, 1-based): chr19:50,403,097, T>G. VCF-style: chr19-50403097-T-G. GRCh37 (hg19) VCF-style: chr19-50906354-T-G.
Other names: c.1015T>G (NM_002691.2); c.1015T>G, p.Ser339Ala (NM_001256849.1, NM_001308632.1); short protein forms S339A.
Identifiers: ClinVar variation 851149 (VCV000851149.8), dbSNP rs1259338122, ClinGen allele CA406977986.
Genomic context (GRCh38, chr19:50,403,097, plus strand): 5'-TCCTCCTGCCTCGCAGGCATCTTCCCTGAGCCTGAGCGGGACCCTGTCATCCAGATCTGC[T>G]CGCTGGGCCTGCGCTGGGGGGAGCCGGAGCCCTTCCTACGCCTGGCGCTCACCCTGCGGC-3'
Protein context (NP_002682.2, residues 329-349): PERDPVIQIC[Ser339Ala]LGLRWGEPEP